The following is an entry in ClinVar:

ClinVar aggregate classification (germline): Uncertain significance (1 of 4 stars; one submission).

Allele frequency attached by ClinVar (database versions not stated): TOPMed 0.00001.

Submission:

Labcorp Genetics (formerly Invitae), Labcorp
Classification: Uncertain significance. Last evaluated: 2023-06-28. Review status: criteria provided, single submitter. Criteria: Invitae Variant Classification Sherloc (09022015). Collection method: clinical testing. Allele origin: germline.
Comment: This sequence change replaces leucine, which is neutral and non-polar, with phenylalanine, which is neutral and non-polar, at codon 1305 of the LCT protein (p.Leu1305Phe). This variant is not present in population databases (gnomAD no frequency). This variant has not been reported in the literature in individuals affected with LCT-related conditions. ClinVar contains an entry for this variant (Variation ID: 1517565). Advanced modeling of protein sequence and biophysical properties (such as structural, functional, and spatial information, amino acid conservation, physicochemical variation, residue mobility, and thermodynamic stability) performed at Invitae indicates that this missense variant is not expected to disrupt LCT protein function. In summary, the available evidence is currently insufficient to determine the role of this variant in disease. Therefore, it has been classified as a Variant of Uncertain Significance.

NM_002299.4(LCT):c.3913C>T (p.Leu1305Phe)

Gene: LCT (lactase; minus strand). Cytogenetic location: 2q21.3.
Variant type: single nucleotide variant.
Coding change: c.3913C>T on transcript NM_002299.4 (MANE Select); coding-DNA position 3913, C replaced by T.
Protein change: p.Leu1305Phe; replaces leucine 1305 with phenylalanine.
Molecular consequence: missense variant.
Genome position (GRCh38, 1-based): chr2:135,807,388, G>A on the plus strand (C>T on the coding strand, the complement: LCT is on the minus strand). VCF-style: chr2-135807388-G-A. GRCh37 (hg19) VCF-style: chr2-136564958-G-A.
Other names: short protein forms L1305F.
Identifiers: ClinVar variation 1517565 (VCV001517565.6), dbSNP rs2077686089, ClinGen allele CA348597907.